The following is an entry in ClinVar:

NM_000208.4(INSR):c.2946-14T>C

Gene: INSR (insulin receptor; minus strand). Cytogenetic location: 19p13.2.
Variant type: single nucleotide variant.
Coding change: c.2946-14T>C on transcript NM_000208.4 (MANE Select); 14 bases into the intron before coding-DNA position 2946, T replaced by C.
Molecular consequence: intron variant.
Genome position (GRCh38, 1-based): chr19:7,126,665, A>G on the plus strand (T>C on the coding strand, the complement: INSR is on the minus strand). VCF-style: chr19-7126665-A-G. GRCh37 (hg19) VCF-style: chr19-7126676-A-G.
Other names: c.2910-14T>C (NM_001079817.3).
Identifiers: ClinVar variation 330448 (VCV000330448.15), dbSNP rs138585749, ClinGen allele CA9135400.

ClinVar aggregate classification (germline): Benign/Likely benign. Review status: criteria provided, multiple submitters, no conflicts (2 of 4 stars). 7 submissions from 5 submitters: Benign (2); Likely benign (5). Last evaluated 2025-07-10.

Conditions:
Rabson-Mendenhall syndrome. Also called: Pineal Hyperplasia, Insulin-Resistant Diabetes Mellitus, and Somatic Abnormalities; MENDENHALL SYNDROME; Pineal hyperplasia AND diabetes mellitus syndrome. Identifiers: Orphanet 769, MedGen C0271695, MONDO:0009874, OMIM 262190.
Hyperinsulinism due to INSR deficiency. Also called: Hyperinsulinism due to glutamodehydrogenase deficiency. Identifiers: Orphanet 263458, MedGen C1864952, MONDO:0012381, OMIM 609968.
Insulin-resistant diabetes mellitus AND acanthosis nigricans. Also called: type A insulin resistance; DIABETES MELLITUS, INSULIN-RESISTANT, WITH ACANTHOSIS NIGRICANS, TYPE A; INSULIN RECEPTOR, DEFECT IN, WITH INSULIN-RESISTANT DIABETES MELLITUS AND ACANTHOSIS NIGRICANS; IRAN, TYPE A; Insulin-resistance syndrome type A. Identifiers: Orphanet 2297, MedGen C0342278, MONDO:0012520, OMIM 610549.
Leprechaunism syndrome. Also called: LEPRECHAUNISM; Donohue syndrome. Identifiers: Orphanet 508, MedGen C0265344, MONDO:0009517, OMIM 246200.

Allele frequency attached by ClinVar (database versions not stated): gnomAD exomes 0.00025 and 0.00074; ExAC 0.00151; ESP Exome Variant Server 0.00263; gnomAD 0.00319 and 0.00347; TOPMed 0.00336; 1000 Genomes Project 30x 0.00390; 1000 Genomes Project 0.00399.
gnomAD v4.1: 855 of 1,560,434 alleles (0.055%); highest among the groups gnomAD compares: African/African-American, 1%; 4 homozygotes.

Submissions (7):

Labcorp Genetics (formerly Invitae), Labcorp
Classification: Benign. Last evaluated: 2025-07-10. Review status: criteria provided, single submitter. Criteria: Invitae Variant Classification Sherloc (09022015). Collection method: clinical testing. Allele origin: germline.

Blueprint Genetics
Classification: Likely benign. Last evaluated: 2024-07-17. Review status: criteria provided, single submitter. Criteria: ACMG Guidelines, 2015. Collection method: clinical testing. Allele origin: germline.

ARUP Laboratories, Molecular Genetics and Genomics, ARUP Laboratories
Classification: Likely benign. Last evaluated: 2020-11-30. Review status: criteria provided, single submitter. Criteria: ARUP Molecular Germline Variant Investigation Process 2021. Collection method: clinical testing. Allele origin: germline.

Illumina Laboratory Services, Illumina
Classification: Likely benign for Rabson-Mendenhall syndrome. Last evaluated: 2018-01-12. Review status: criteria provided, single submitter. Criteria: ICSL Variant Classification Criteria 13 December 2019. Collection method: clinical testing. Allele origin: germline.
Comment: This variant was observed in the ICSL laboratory as part of a predisposition screen in an ostensibly healthy population. It had not been previously curated by ICSL or reported in the Human Gene Mutation Database (HGMD: prior to June 1st, 2018), and was therefore a candidate for classification through an automated scoring system. Utilizing variant allele frequency, disease prevalence and penetrance estimates, and inheritance mode, an automated score was calculated to assess if this variant is too frequent to cause the disease. Based on the score and internal cut-off values, a variant classified as likely benign is not then subjected to further curation. The score for this variant resulted in a classification of likely benign for this disease.

Illumina Laboratory Services, Illumina
Classification: Likely benign for Leprechaunism syndrome. Last evaluated: 2018-01-12. Review status: criteria provided, single submitter. Criteria: ICSL Variant Classification Criteria 13 December 2019. Collection method: clinical testing. Allele origin: germline.
Comment: the same text as in the submission from Illumina Laboratory Services, Illumina above.

Illumina Laboratory Services, Illumina
Classification: Likely benign for Insulin-resistant diabetes mellitus AND acanthosis nigricans. Last evaluated: 2018-01-12. Review status: criteria provided, single submitter. Criteria: ICSL Variant Classification Criteria 13 December 2019. Collection method: clinical testing. Allele origin: germline.
Comment: the same text as in the submission from Illumina Laboratory Services, Illumina above.

Clinical Genomics, Uppaluri K&H Personalized Medicine Clinic
Classification: Benign for Hyperinsulinism due to INSR deficiency. Review status: criteria provided, single submitter. Criteria: K And H Uppaluri Personalized Medicine Clinic Variant Classification And Assertion Criteria Updated V 2. Collection method: research. Allele origin: unknown. Inheritance: Autosomal dominant inheritance.
Comment: Potent mutations in INSR gene can lead to insulin resistance, which presents as impaired glucose tolerance, early onset type 2 diabetes, post prandial hyperglycemia and increased insulin requirement in type 1 diabetes. These mutations in INSR gene can also predispose to coronary artery disease, metabolic syndrome, polycystic ovarian disease and non alcoholic fatty liver disease.However, the role of this particular variant rs138585749 with early onset diabetes mellitus is yet to be ascertained.

Literature cited by the submitters: PubMed 35000900 (cited by Clinical Genomics, Uppaluri K&H Personalized Medicine Clinic); PubMed 31989990 (cited by Clinical Genomics, Uppaluri K&H Personalized Medicine Clinic); PubMed 23705494 (cited by Clinical Genomics, Uppaluri K&H Personalized Medicine Clinic).